The following is an entry in ClinVar:

NM_178822.5(IGSF10):c.7548_7551dup (p.Thr2518fs)

Gene: IGSF10 (immunoglobulin superfamily member 10; minus strand). Cytogenetic location: 3q25.1.
Variant type: Duplication.
Coding change: c.7548_7551dup on transcript NM_178822.5 (MANE Select); coding-DNA positions 7548 to 7551, 4 bases duplicated (GATT; older notation c.7548_7551dupGATT).
Protein change: p.Thr2518fs; shifts the reading frame from threonine 2518.
Molecular consequence: frameshift variant.
Genome position (GRCh38, 1-based): chr3:151,437,010-151,437,013, AATC duplicated on the plus strand (GATT on the coding strand, the reverse complement: IGSF10 is on the minus strand); duplicating any 4 consecutive bases within chr3:151,437,010-151,437,014 gives the same sequence; the c. name uses the placement nearest the transcript's 3' end. VCF-style (leftmost placement, unchanged base first): chr3-151437009-T-TAATC. GRCh37 (hg19) VCF-style: chr3-151154797-T-TAATC.
Other names: c.7548_7551dupGATT (NM_178822.4); c.1485_1488dup, p.Thr497fs (NM_001178145.3, NM_001178146.3); c.7548_7551dup, p.Thr2518fs (NM_001385060.1, NM_001385061.1, NM_001385062.1 and 1 more transcripts); short protein forms T497fs, T2518fs.
Identifiers: ClinVar variation 2720758 (VCV002720758.12), dbSNP rs542925190, ClinGen allele CA2669229.

ClinVar aggregate classification (germline): Benign. Review status: criteria provided, multiple submitters, no conflicts (2 of 4 stars). 3 submissions from 3 submitters: Benign (2). 1 of the submissions does not count toward it. Last evaluated 2025-11-12.

Conditions:
IGSF10-related disorder. Also called: IGSF10-related condition.

Submissions (3):

Labcorp Genetics (formerly Invitae), Labcorp
Classification: Benign. Last evaluated: 2025-11-12. Review status: criteria provided, single submitter. Criteria: Invitae Variant Classification Sherloc (09022015). Collection method: clinical testing. Allele origin: germline.

CeGaT Center for Human Genetics Tuebingen
Classification: Benign. Last evaluated: 2025-03-01. Review status: criteria provided, single submitter. Criteria: CeGaT Center For Human Genetics Tuebingen Variant Classification Criteria Version 2. Collection method: clinical testing. Allele origin: germline. Affected: yes. Observed: 1 variant allele.
Comment: IGSF10: BS1, BS2

PreventionGenetics, part of Exact Sciences
Classification: Benign for IGSF10-related condition. Last evaluated: 2020-02-24. Review status: no assertion criteria provided. Collection method: clinical testing. Allele origin: germline. Not counted in ClinVar's aggregate classification.
Comment: This variant is classified as benign based on ACMG/AMP sequence variant interpretation guidelines (Richards et al. 2015 PMID: 25741868, with internal and published modifications).